The following is an entry in ClinVar:

ClinVar aggregate classification (germline): Uncertain significance (1 of 4 stars; one submission).

gnomAD v4.1: 2 of 1,614,108 alleles (0.00012%); highest among the groups gnomAD compares: East Asian, 0.0045%; no homozygotes.

Submission:

Ambry Genetics
Classification: Uncertain significance. Last evaluated: 2026-03-27. Review status: criteria provided, single submitter. Criteria: Ambry Variant Classification Scheme 2023. Collection method: clinical testing. Allele origin: germline.
Comment: The p.S231F variant (also known as c.692C>T), located in coding exon 1 of the TET2 gene, results from a C to T substitution at nucleotide position 692. The serine at codon 231 is replaced by phenylalanine, an amino acid with highly dissimilar properties. This amino acid position is conserved. In addition, this alteration is predicted to be tolerated by in silico analysis. Based on the available evidence, the clinical significance of this variant remains unclear.

NM_001127208.3(TET2):c.692C>T (p.Ser231Phe)

Genes: TET2 (tet methylcytosine dioxygenase 2; plus strand), TET2-AS1 (TET2 antisense RNA 1; minus strand). Cytogenetic location: 4q24.
Variant type: single nucleotide variant.
Coding change: c.692C>T on transcript NM_001127208.3 (MANE Select); coding-DNA position 692, C replaced by T.
Protein change: p.Ser231Phe; replaces serine 231 with phenylalanine.
Molecular consequence: missense variant.
Genome position (GRCh38, 1-based): chr4:105,234,634, C>T. VCF-style: chr4-105234634-C-T. GRCh37 (hg19) VCF-style: chr4-106155791-C-T.
Other names: c.692C>T, p.Ser231Phe (NM_017628.4); short protein forms S231F.
Identifiers: ClinVar variation 4865513 (VCV004865513.1).